The following is an entry in ClinVar:

NM_001365999.1(SZT2):c.4549C>T (p.Arg1517Cys)

Gene: SZT2 (SZT2 subunit of KICSTOR complex; plus strand). Cytogenetic location: 1p34.2.
Variant type: single nucleotide variant.
Coding change: c.4549C>T on transcript NM_001365999.1 (MANE Select); coding-DNA position 4549, C replaced by T.
Protein change: p.Arg1517Cys; replaces arginine 1517 with cysteine.
Molecular consequence: missense variant.
Genome position (GRCh38, 1-based): chr1:43,430,564, C>T. VCF-style: chr1-43430564-C-T. GRCh37 (hg19) VCF-style: chr1-43896235-C-T.
Other names: c.4378C>T, p.Arg1460Cys (NM_015284.4); short protein forms R1517C, R1460C.
Identifiers: ClinVar variation 1445559 (VCV001445559.3), dbSNP rs1336611946, ClinGen allele CA340021885.
Genomic context (GRCh38, chr1:43,430,564, plus strand): 5'-TCTGCCTGCTGTGTGGTCACTGAGAGTGACCCAGAGCTAGAGGTAGAATACCGGGAGAGC[C>T]GTGAATCAGACCTGGGGCCTGCTGGGCTAGACTCTGCCTCGCTGTCAGACGTAGACACTG-3'
Protein context (NP_001352928.1, residues 1507-1527): PELEVEYRES[Arg1517Cys]ESDLGPAGLD

ClinVar aggregate classification (germline): Uncertain significance (1 of 4 stars; one submission).

Allele frequency attached by ClinVar (database versions not stated): gnomAD exomes below 0.00001; TOPMed below 0.00001; gnomAD 0.00001.
gnomAD v4.1: 9 of 1,614,048 alleles (0.00056%); highest among the groups gnomAD compares: South Asian, 0.0022%; no homozygotes.

Submission:

Labcorp Genetics (formerly Invitae), Labcorp
Classification: Uncertain significance. Last evaluated: 2021-11-08. Review status: criteria provided, single submitter. Criteria: Invitae Variant Classification Sherloc (09022015). Collection method: clinical testing. Allele origin: germline.
Comment: This sequence change replaces arginine, which is basic and polar, with cysteine, which is neutral and slightly polar, at codon 1460 of the SZT2 protein (p.Arg1460Cys). This variant is present in population databases (no rsID available, gnomAD 0.0009%). This variant has not been reported in the literature in individuals affected with SZT2-related conditions. Algorithms developed to predict the effect of missense changes on protein structure and function (SIFT, PolyPhen-2, Align-GVGD) all suggest that this variant is likely to be disruptive. In summary, the available evidence is currently insufficient to determine the role of this variant in disease. Therefore, it has been classified as a Variant of Uncertain Significance.